The following is an entry in ClinVar:

ClinVar aggregate classification (germline): Uncertain significance. Review status: criteria provided, multiple submitters, no conflicts (2 of 4 stars). 2 submissions from 2 submitters: Uncertain significance (2). Last evaluated 2025-11-19.

Conditions:
Hereditary cancer-predisposing syndrome. Also called: Hereditary Cancer Syndrome; Hereditary neoplastic syndrome; Tumor predisposition; Neoplastic Syndromes, Hereditary. Identifiers: Orphanet 140162, MedGen C0027672, MeSH D009386, MONDO:0015356.

Submissions (2):

Labcorp Genetics (formerly Invitae), Labcorp
Classification: Uncertain significance. Last evaluated: 2025-11-19. Review status: criteria provided, single submitter. Criteria: Invitae Variant Classification Sherloc (09022015). Collection method: clinical testing. Allele origin: germline.
Comment: This sequence change replaces leucine, which is neutral and non-polar, with methionine, which is neutral and non-polar, at codon 144 of the HOXB13 protein (p.Leu144Met). This variant is not present in population databases (gnomAD no frequency). This variant has not been reported in the literature in individuals affected with HOXB13-related conditions. ClinVar contains an entry for this variant (Variation ID: 3526295). Invitae Evidence Modeling of protein sequence and biophysical properties (such as structural, functional, and spatial information, amino acid conservation, physicochemical variation, residue mobility, and thermodynamic stability) indicates that this missense variant is not expected to disrupt HOXB13 protein function with a negative predictive value of 80%. In summary, the available evidence is currently insufficient to determine the role of this variant in disease. Therefore, it has been classified as a Variant of Uncertain Significance.

Ambry Genetics
Classification: Uncertain significance for Hereditary cancer-predisposing syndrome. Last evaluated: 2024-11-08. Review status: criteria provided, single submitter. Criteria: Ambry Variant Classification Scheme 2023. Collection method: clinical testing. Allele origin: germline.
Comment: The p.L144M variant (also known as c.430C>A), located in coding exon 1 of the HOXB13 gene, results from a C to A substitution at nucleotide position 430. The leucine at codon 144 is replaced by methionine, an amino acid with highly similar properties. This amino acid position is highly conserved in available vertebrate species. In addition, the in silico prediction for this alteration is inconclusive. Based on the available evidence, the clinical significance of this variant remains unclear.

NM_006361.6(HOXB13):c.430C>A (p.Leu144Met)

Gene: HOXB13 (homeobox B13; minus strand). Cytogenetic location: 17q21.32.
Variant type: single nucleotide variant.
Coding change: c.430C>A on transcript NM_006361.6 (MANE Select); coding-DNA position 430, C replaced by A.
Protein change: p.Leu144Met; replaces leucine 144 with methionine.
Molecular consequence: missense variant.
Genome position (GRCh38, 1-based): chr17:48,728,164, G>T on the plus strand (C>A on the coding strand, the complement: HOXB13 is on the minus strand). VCF-style: chr17-48728164-G-T. GRCh37 (hg19) VCF-style: chr17-46805526-G-T.
Other names: short protein forms L144M.
Identifiers: ClinVar variation 3526295 (VCV003526295.2).